The following is an entry in ClinVar:

NM_005918.4(MDH2):c.844G>A (p.Glu282Lys)

Gene: MDH2 (malate dehydrogenase 2; plus strand). Cytogenetic location: 7q11.23.
Variant type: single nucleotide variant.
Coding change: c.844G>A on transcript NM_005918.4 (MANE Select); coding-DNA position 844, G replaced by A.
Protein change: p.Glu282Lys; replaces glutamic acid 282 with lysine.
Molecular consequence: missense variant.
Genome position (GRCh38, 1-based): chr7:76,064,912, G>A. VCF-style: chr7-76064912-G-A. GRCh37 (hg19) VCF-style: chr7-75694230-G-A.
Other names: c.718G>A, p.Glu240Lys (NM_001282403.2); c.523G>A, p.Glu175Lys (NM_001282404.2); short protein forms E175K, E240K, E282K.
Identifiers: ClinVar variation 1448331 (VCV001448331.8), dbSNP rs2116703200, ClinGen allele CA367768674.

ClinVar aggregate classification (germline): Uncertain significance. Review status: criteria provided, multiple submitters, no conflicts (2 of 4 stars). 2 submissions from 2 submitters: Uncertain significance (2). Last evaluated 2024-06-08.

Conditions:
Inborn genetic diseases. Identifiers: MedGen C0950123, MeSH D030342.

Allele frequency attached by ClinVar (database versions not stated): gnomAD exomes below 0.00001.
gnomAD v4.1: 2 of 1,614,190 alleles (0.00012%); highest among the groups gnomAD compares: Non-Finnish European, 0.00017%; no homozygotes.

Submissions (2):

Ambry Genetics
Classification: Uncertain significance for Inborn genetic diseases. Last evaluated: 2024-06-08. Review status: criteria provided, single submitter. Criteria: Ambry Variant Classification Scheme 2023. Collection method: clinical testing. Allele origin: germline.
Comment: The p.E282K variant (also known as c.844G>A), located in coding exon 8 of the MDH2 gene, results from a G to A substitution at nucleotide position 844. The glutamic acid at codon 282 is replaced by lysine, an amino acid with similar properties. This amino acid position is conserved. In addition, the in silico prediction for this alteration is inconclusive. Since supporting evidence is limited at this time, the clinical significance of this alteration remains unclear.

Labcorp Genetics (formerly Invitae), Labcorp
Classification: Uncertain significance. Last evaluated: 2022-03-19. Review status: criteria provided, single submitter. Criteria: Invitae Variant Classification Sherloc (09022015). Collection method: clinical testing. Allele origin: germline.
Comment: This sequence change replaces glutamic acid, which is acidic and polar, with lysine, which is basic and polar, at codon 282 of the MDH2 protein (p.Glu282Lys). This variant is not present in population databases (gnomAD no frequency). This variant has not been reported in the literature in individuals affected with MDH2-related conditions. Algorithms developed to predict the effect of missense changes on protein structure and function (SIFT, PolyPhen-2, Align-GVGD) all suggest that this variant is likely to be tolerated. In summary, the available evidence is currently insufficient to determine the role of this variant in disease. Therefore, it has been classified as a Variant of Uncertain Significance.